The following is an entry in ClinVar:

NM_182480.3(COQ6):c.62C>T (p.Ser21Phe)

Gene: COQ6 (coenzyme Q6, monooxygenase; plus strand). Cytogenetic location: 14q24.3.
Variant type: single nucleotide variant.
Coding change: c.62C>T on transcript NM_182480.3; coding-DNA position 62, C replaced by T.
Protein change: p.Ser21Phe; replaces serine 21 with phenylalanine.
Molecular consequence: missense variant. On other transcripts: 5 prime UTR variant (2).
Genome position (GRCh38, 1-based): chr14:73,950,154, C>T. VCF-style: chr14-73950154-C-T. GRCh37 (hg19) VCF-style: chr14-74416857-C-T.
Other names: c.62C>T, p.Ser21Phe (NM_001425258.1); c.-30C>T (NM_001425259.1, NM_001425261.1); short protein forms S21F.
Identifiers: ClinVar variation 1263088 (VCV001263088.5), dbSNP rs73301413, ClinGen allele CA7263995.
Genomic context (GRCh38, chr14:73,950,154, plus strand): 5'-TGCGGGGCCAGGGTCCACCCCTTTCTAGCTTTGGCGTCTGGTTGGCTTCCAGGGCAGCCT[C>T]CGATCCATCCCGCCCGAGGAGGCAAGGTTCGTTTTCCGATTGGCCTATTTTCTCCGCGCA-3'

ClinVar aggregate classification (germline): Likely benign. Review status: criteria provided, multiple submitters, no conflicts (2 of 4 stars). 2 submissions from 2 submitters: Likely benign (2). Last evaluated 2025-04-01.

Conditions:
COQ6-related disorder. Also called: COQ6-related condition.

Allele frequency attached by ClinVar (database versions not stated): gnomAD 0.00102 and 0.00115; 1000 Genomes Project 30x 0.00141; gnomAD exomes 0.00013 and 0.00035; 1000 Genomes Project 0.00120; TOPMed 0.00140; ExAC 0.00038.
gnomAD v4.1: 355 of 1,588,802 alleles (0.022%); highest among the groups gnomAD compares: African/African-American, 0.39%; no homozygotes.

Submissions (2):

PreventionGenetics, part of Exact Sciences
Classification: Likely benign for COQ6-related condition. Last evaluated: 2025-04-01. Review status: criteria provided, single submitter. Criteria: ACMG Guidelines, 2015. Collection method: clinical testing. Allele origin: germline.
Comment: This variant is classified as likely benign based on ACMG/AMP sequence variant interpretation guidelines (Richards et al. 2015 PMID: 25741868, with internal and published modifications).

GeneDx
Classification: Likely benign. Last evaluated: 2021-03-03. Review status: criteria provided, single submitter. Criteria: GeneDx Variant Classification Process June 2021. Collection method: clinical testing. Allele origin: germline. Affected: yes.